The following is an entry in ClinVar:

NM_006946.4(SPTBN2):c.6450+6C>T

Gene: SPTBN2 (spectrin beta, non-erythrocytic 2; minus strand). Cytogenetic location: 11q13.2.
Variant type: single nucleotide variant.
Coding change: c.6450+6C>T on transcript NM_006946.4 (MANE Select); 6 bases into the intron after coding-DNA position 6450, C replaced by T.
Molecular consequence: intron variant.
Genome position (GRCh38, 1-based): chr11:66,687,998, G>A on the plus strand (C>T on the coding strand, the complement: SPTBN2 is on the minus strand). VCF-style: chr11-66687998-G-A. GRCh37 (hg19) VCF-style: chr11-66455469-G-A.
Other names: c.6471+6C>T (NM_001411025.1).
Identifiers: ClinVar variation 3716842 (VCV003716842.2).

ClinVar aggregate classification (germline): Uncertain significance (1 of 4 stars; one submission).

gnomAD v4.1: 14 of 1,614,196 alleles (0.00087%); highest among the groups gnomAD compares: Admixed American, 0.023%; no homozygotes.

Submission:

Labcorp Genetics (formerly Invitae), Labcorp
Classification: Uncertain significance. Last evaluated: 2024-04-16. Review status: criteria provided, single submitter. Criteria: Invitae Variant Classification Sherloc (09022015). Collection method: clinical testing. Allele origin: germline.
Comment: This sequence change falls in intron 32 of the SPTBN2 gene. It does not directly change the encoded amino acid sequence of the SPTBN2 protein. It affects a nucleotide within the consensus splice site. This variant is present in population databases (rs758553450, gnomAD 0.03%). This variant has not been reported in the literature in individuals affected with SPTBN2-related conditions. Variants that disrupt the consensus splice site are a relatively common cause of aberrant splicing (PMID: 17576681, 9536098). Algorithms developed to predict the effect of sequence changes on RNA splicing suggest that this variant is not likely to affect RNA splicing. In summary, the available evidence is currently insufficient to determine the role of this variant in disease. Therefore, it has been classified as a Variant of Uncertain Significance.

Literature cited by the submitters: PubMed 17576681; PubMed 9536098.